The following is an entry in ClinVar:

NM_014806.5(RUSC2):c.3390C>T (p.Asp1130=)

Gene: RUSC2 (RUN and SH3 domain containing 2; plus strand). Cytogenetic location: 9p13.3.
Variant type: single nucleotide variant.
Coding change: c.3390C>T on transcript NM_014806.5 (MANE Select); coding-DNA position 3390, C replaced by T.
Protein change: p.Asp1130=; no amino-acid change (aspartic acid 1130 retained).
Molecular consequence: synonymous variant. On other transcripts: non-coding transcript variant (1).
Genome position (GRCh38, 1-based): chr9:35,560,030, C>T. VCF-style: chr9-35560030-C-T. GRCh37 (hg19) VCF-style: chr9-35560027-C-T.
Other names: c.3390C>T (NM_001135999.1); c.3390C>T, p.Asp1130= (NM_001135999.2); c.756C>T, p.Asp252= (NM_001330740.2).
Identifiers: ClinVar variation 2759292 (VCV002759292.5), dbSNP rs1587872282, ClinGen allele CA464607347.

ClinVar aggregate classification (germline): Likely benign. Review status: criteria provided, single submitter (1 of 4 stars). 2 submissions from 2 submitters: Likely benign (1). 1 of the submissions does not count toward it. Last evaluated 2026-01-19.

Conditions:
RUSC2-related disorder. Also called: RUSC2-related condition.

gnomAD v4.1: 2 of 1,588,318 alleles (0.00013%); no homozygotes.

Submissions (2):

Labcorp Genetics (formerly Invitae), Labcorp
Classification: Likely benign. Last evaluated: 2026-01-19. Review status: criteria provided, single submitter. Criteria: Invitae Variant Classification Sherloc (09022015). Collection method: clinical testing. Allele origin: germline.

PreventionGenetics, part of Exact Sciences
Classification: Likely benign for RUSC2-related condition. Last evaluated: 2019-02-28. Review status: no assertion criteria provided. Collection method: clinical testing. Allele origin: germline. Not counted in ClinVar's aggregate classification.
Comment: This variant is classified as likely benign based on ACMG/AMP sequence variant interpretation guidelines (Richards et al. 2015 PMID: 25741868, with internal and published modifications).